The following is an entry in ClinVar:

ClinVar aggregate classification (germline): Conflicting classifications of pathogenicity. Review status: criteria provided, conflicting classifications (1 of 4 stars). 4 submissions from 4 submitters: Uncertain significance (3); Likely benign (1). Last evaluated 2025-11-09.

Conditions:
Hereditary cancer-predisposing syndrome. Also called: Neoplastic Syndromes, Hereditary; Tumor predisposition; Hereditary neoplastic syndrome; Hereditary Cancer Syndrome. Identifiers: Orphanet 140162, MedGen C0027672, MeSH D009386, MONDO:0015356.
Familial cancer of breast. Also called: BREAST CANCER, FAMILIAL; Hereditary breast cancer; hereditary breast carcinoma. Identifiers: Orphanet 227535, MedGen C0346153, MONDO:0016419, OMIM 114480. Disease mechanism: loss of function.

Allele frequency attached by ClinVar (database versions not stated): TOPMed below 0.00001.

Submissions (4):

Labcorp Genetics (formerly Invitae), Labcorp
Classification: Uncertain significance for Familial cancer of breast. Last evaluated: 2025-11-09. Review status: criteria provided, single submitter. Criteria: Invitae Variant Classification Sherloc (09022015). Collection method: clinical testing. Allele origin: germline.
Comment: This sequence change replaces threonine, which is neutral and polar, with isoleucine, which is neutral and non-polar, at codon 267 of the BARD1 protein (p.Thr267Ile). This variant is not present in population databases (gnomAD no frequency). This variant has not been reported in the literature in individuals affected with BARD1-related conditions. ClinVar contains an entry for this variant (Variation ID: 827387). An algorithm developed to predict the effect of missense changes on protein structure and function outputs the following: PolyPhen-2: "Benign". The isoleucine amino acid residue is found in multiple mammalian species, which suggests that this missense change does not adversely affect protein function. In summary, the available evidence is currently insufficient to determine the role of this variant in disease. Therefore, it has been classified as a Variant of Uncertain Significance.

Color Diagnostics, LLC DBA Color Health
Classification: Uncertain significance for Hereditary cancer-predisposing syndrome. Last evaluated: 2024-03-06. Review status: criteria provided, single submitter. Criteria: ACMG Guidelines, 2015. Collection method: clinical testing. Allele origin: germline.
Comment: This missense variant replaces threonine with isoleucine at codon 267 of the BARD1 protein. Computational prediction suggests that this variant may not impact protein structure and function (internally defined REVEL score threshold <= 0.5, PMID: 27666373). To our knowledge, functional studies have not been reported for this variant. This variant has not been reported in individuals affected with hereditary cancer in the literature. This variant has not been identified in the general population by the Genome Aggregation Database (gnomAD). The available evidence is insufficient to determine the role of this variant in disease conclusively. Therefore, this variant is classified as a Variant of Uncertain Significance.

Ambry Genetics
Classification: Likely benign for Hereditary cancer-predisposing syndrome. Last evaluated: 2024-02-26. Review status: criteria provided, single submitter. Criteria: Ambry Variant Classification Scheme 2023. Collection method: clinical testing. Allele origin: germline.

Sema4
Classification: Uncertain significance for Hereditary cancer-predisposing syndrome. Last evaluated: 2021-09-01. Review status: criteria provided, single submitter. Criteria: Sema4 Curation Guidelines. Collection method: curation. Allele origin: germline.
Comment: The BARD1 c.800C>T (p.T267I) variant has not been reported in the literature to our knowledge. It was not observed in the large and broad cohorts of the Genome Aggregation Database. The variant has been reported in ClinVar (Variation ID 827387). In silico tools suggest the impact of the variant on protein function is benign, though these predictions have not been confirmed by functional studies. The evidence is insufficient to meet ACMG/AMP criteria for classifying the variant as benign or pathogenic. Thus, the clinical significance of this variant is currently uncertain.

NM_000465.4(BARD1):c.800C>T (p.Thr267Ile)

Gene: BARD1 (BRCA1 associated RING domain 1; minus strand). Cytogenetic location: 2q35.
Variant type: single nucleotide variant.
Coding change: c.800C>T on transcript NM_000465.4 (MANE Select); coding-DNA position 800, C replaced by T.
Protein change: p.Thr267Ile; replaces threonine 267 with isoleucine.
Molecular consequence: missense variant. On other transcripts: non-coding transcript variant (2), intron variant (3).
Genome position (GRCh38, 1-based): chr2:214,781,074, G>A on the plus strand (C>T on the coding strand, the complement: BARD1 is on the minus strand). VCF-style: chr2-214781074-G-A. GRCh37 (hg19) VCF-style: chr2-215645798-G-A.
Other names: c.743C>T, p.Thr248Ile (NM_001282543.2); c.158+28338C>T (NM_001282548.2); c.215+15987C>T (NM_001282545.2); c.364+11223C>T (NM_001282549.2); short protein forms T267I, T248I.
Identifiers: ClinVar variation 827387 (VCV000827387.15), dbSNP rs1338972046, ClinGen allele CA350455620.